The following is an entry in ClinVar:

NM_004655.4(AXIN2):c.1076C>A (p.Pro359His)

Gene: AXIN2 (axin 2; minus strand). Cytogenetic location: 17q24.1.
Variant type: single nucleotide variant.
Coding change: c.1076C>A on transcript NM_004655.4 (MANE Select); coding-DNA position 1076, C replaced by A.
Protein change: p.Pro359His; replaces proline 359 with histidine.
Molecular consequence: missense variant.
Genome position (GRCh38, 1-based): chr17:65,538,327, G>T on the plus strand (C>A on the coding strand, the complement: AXIN2 is on the minus strand). VCF-style: chr17-65538327-G-T. GRCh37 (hg19) VCF-style: chr17-63534445-G-T.
Other names: c.1076C>A, p.Pro359His (NM_001363813.1); short protein forms P359H.
Identifiers: ClinVar variation 2134725 (VCV002134725.4), dbSNP rs2544183178, ClinGen allele CA400678587.

ClinVar aggregate classification (germline): Uncertain significance (1 of 4 stars; one submission).

Conditions:
Oligodontia-cancer predisposition syndrome. Also called: TOOTH AGENESIS-COLORECTAL CANCER SYNDROME. Identifiers: Orphanet 300576, MedGen C1837750, MONDO:0012075, OMIM 608615. Disease mechanism: loss of function.

Submission:

Labcorp Genetics (formerly Invitae), Labcorp
Classification: Uncertain significance for Oligodontia-cancer predisposition syndrome. Last evaluated: 2022-05-06. Review status: criteria provided, single submitter. Criteria: Invitae Variant Classification Sherloc (09022015). Collection method: clinical testing. Allele origin: germline.
Comment: This sequence change replaces proline, which is neutral and non-polar, with histidine, which is basic and polar, at codon 359 of the AXIN2 protein (p.Pro359His). This variant is not present in population databases (gnomAD no frequency). This variant has not been reported in the literature in individuals affected with AXIN2-related conditions. Algorithms developed to predict the effect of missense changes on protein structure and function are either unavailable or do not agree on the potential impact of this missense change (SIFT: "Deleterious"; PolyPhen-2: "Probably Damaging"; Align-GVGD: "Class C15"). In summary, the available evidence is currently insufficient to determine the role of this variant in disease. Therefore, it has been classified as a Variant of Uncertain Significance.